The following is an entry in ClinVar:

ClinVar aggregate classification (germline): Likely benign. Review status: criteria provided, multiple submitters, no conflicts (2 of 4 stars). 3 submissions from 3 submitters: Likely benign (3). Last evaluated 2025-10-06.

Conditions:
Hereditary cancer-predisposing syndrome. Also called: Tumor predisposition; Hereditary Cancer Syndrome; Hereditary neoplastic syndrome; Neoplastic Syndromes, Hereditary. Identifiers: Orphanet 140162, MedGen C0027672, MeSH D009386, MONDO:0015356.
Neurofibromatosis, type 2 (SWNV). Also called: BILATERAL ACOUSTIC NEUROFIBROMATOSIS; SCHWANNOMATOSIS, VESTIBULAR; NF2-Related Schwannomatosis. Identifiers: Orphanet 637, MedGen C0027832, MONDO:0007039, OMIM 101000. Disease mechanism: loss of function.

Allele frequency attached by ClinVar (database versions not stated): gnomAD exomes below 0.00001; TOPMed 0.00004.
gnomAD v4.1: 4 of 1,613,416 alleles (0.00025%); highest among the groups gnomAD compares: Admixed American, 0.0017%; no homozygotes.

Submissions (3):

Labcorp Genetics (formerly Invitae), Labcorp
Classification: Likely benign for Neurofibromatosis, type 2. Last evaluated: 2025-10-06. Review status: criteria provided, single submitter. Criteria: Invitae Variant Classification Sherloc (09022015). Collection method: clinical testing. Allele origin: germline.

All of Us Research Program, National Institutes of Health
Classification: Likely benign for Neurofibromatosis, type 2. Last evaluated: 2024-07-02. Review status: criteria provided, single submitter. Criteria: ACMG Guidelines, 2015. Collection method: clinical testing. Allele origin: germline. Inheritance: Autosomal dominant inheritance. Observed: 1 variant allele, 1 heterozygote.
Comment: This study involves interpretation of variants in research participants for the purpose of population health screening. Participant phenotype was not available at the time of variant classification. Additional details can be found in publication PMID: 35346344, PMCID: PMC8962531

Ambry Genetics
Classification: Likely benign for Hereditary cancer-predisposing syndrome. Last evaluated: 2019-03-20. Review status: criteria provided, single submitter. Criteria: Ambry Variant Classification Scheme 2023. Collection method: clinical testing. Allele origin: germline.

NM_000268.4(NF2):c.1776T>C (p.Phe592=)

Gene: NF2 (NF2, moesin-ezrin-radixin like (MERLIN) tumor suppressor; plus strand). Cytogenetic location: 22q12.2.
Variant type: single nucleotide variant.
Coding change: c.1776T>C on transcript NM_000268.4 (MANE Select); coding-DNA position 1776, T replaced by C.
Protein change: p.Phe592=; no amino-acid change (phenylalanine 592 retained).
Molecular consequence: synonymous variant. On other transcripts: 3 prime UTR variant (5), non-coding transcript variant (1).
Genome position (GRCh38, 1-based): chr22:29,694,790, T>C. VCF-style: chr22-29694790-T-C. GRCh37 (hg19) VCF-style: chr22-30090779-T-C.
Other names: c.*48T>C (NM_016418.5, NM_181828.3, NM_181829.3 and 1 more transcripts); c.*63T>C (NM_181832.3); c.486T>C, p.Phe162= (NM_181833.3).
Identifiers: ClinVar variation 820053 (VCV000820053.14), dbSNP rs1290530587, ClinGen allele CA514191743.